The following is an entry in ClinVar:

ClinVar aggregate classification (germline): Uncertain significance (1 of 4 stars; one submission).

Allele frequency attached by ClinVar (database versions not stated): gnomAD exomes below 0.00001.
gnomAD v4.1: 2 of 1,600,832 alleles (0.00012%); highest among the groups gnomAD compares: Non-Finnish European, 0.00017%; no homozygotes.

Submission:

GeneDx
Classification: Uncertain significance. Last evaluated: 2023-05-13. Review status: criteria provided, single submitter. Criteria: GeneDx Variant Classification Process June 2021. Collection method: clinical testing. Allele origin: germline. Affected: yes.
Comment: Not observed at significant frequency in large population cohorts (gnomAD); In silico analysis supports that this missense variant has a deleterious effect on protein structure/function; Has not been previously published as pathogenic or benign to our knowledge

NM_017672.6(TRPM7):c.5456T>C (p.Leu1819Pro)

Gene: TRPM7 (transient receptor potential cation channel subfamily M member 7; minus strand). Cytogenetic location: 15q21.2.
Variant type: single nucleotide variant.
Coding change: c.5456T>C on transcript NM_017672.6 (MANE Select); coding-DNA position 5456, T replaced by C.
Protein change: p.Leu1819Pro; replaces leucine 1819 with proline.
Molecular consequence: missense variant. On other transcripts: non-coding transcript variant (3).
Genome position (GRCh38, 1-based): chr15:50,569,898, A>G on the plus strand (T>C on the coding strand, the complement: TRPM7 is on the minus strand). VCF-style: chr15-50569898-A-G. GRCh37 (hg19) VCF-style: chr15-50862095-A-G.
Other names: c.5453T>C, p.Leu1818Pro (NM_001301212.2); short protein forms L1818P, L1819P.
Identifiers: ClinVar variation 2662340 (VCV002662340.1), dbSNP rs2542172915, ClinGen allele CA392384371.